The following is an entry in ClinVar:

NM_001942.4(DSG1):c.1441A>G (p.Ile481Val)

Gene: DSG1 (desmoglein 1; plus strand). Cytogenetic location: 18q12.1.
Variant type: single nucleotide variant.
Coding change: c.1441A>G on transcript NM_001942.4 (MANE Select); coding-DNA position 1441, A replaced by G.
Protein change: p.Ile481Val; replaces isoleucine 481 with valine.
Molecular consequence: missense variant.
Genome position (GRCh38, 1-based): chr18:31,339,779, A>G. VCF-style: chr18-31339779-A-G. GRCh37 (hg19) VCF-style: chr18-28919742-A-G.
Other names: short protein forms I481V.
Identifiers: ClinVar variation 1971363 (VCV001971363.5), dbSNP rs1240242964, ClinGen allele CA402137085.

ClinVar aggregate classification (germline): Uncertain significance (1 of 4 stars; one submission).

Allele frequency attached by ClinVar (database versions not stated): gnomAD 0.00001; gnomAD exomes 0.00001.
gnomAD v4.1: 21 of 1,612,564 alleles (0.0013%); highest among the groups gnomAD compares: Non-Finnish European, 0.0016%; no homozygotes.

Submission:

Labcorp Genetics (formerly Invitae), Labcorp
Classification: Uncertain significance. Last evaluated: 2023-12-12. Review status: criteria provided, single submitter. Criteria: Invitae Variant Classification Sherloc (09022015). Collection method: clinical testing. Allele origin: germline.
Comment: This sequence change replaces isoleucine, which is neutral and non-polar, with valine, which is neutral and non-polar, at codon 481 of the DSG1 protein (p.Ile481Val). This variant is present in population databases (no rsID available, gnomAD 0.002%). This variant has not been reported in the literature in individuals affected with DSG1-related conditions. ClinVar contains an entry for this variant (Variation ID: 1971363). Advanced modeling of protein sequence and biophysical properties (such as structural, functional, and spatial information, amino acid conservation, physicochemical variation, residue mobility, and thermodynamic stability) performed at Invitae indicates that this missense variant is not expected to disrupt DSG1 protein function with a negative predictive value of 80%. In summary, the available evidence is currently insufficient to determine the role of this variant in disease. Therefore, it has been classified as a Variant of Uncertain Significance.